The following is an entry in ClinVar:

ClinVar aggregate classification (germline): Uncertain significance (1 of 4 stars; one submission).

Conditions:
Inborn genetic diseases. Identifiers: MedGen C0950123, MeSH D030342.

Submission:

Ambry Genetics
Classification: Uncertain significance for Inborn genetic diseases. Last evaluated: 2025-09-19. Review status: criteria provided, single submitter. Criteria: Ambry Variant Classification Scheme 2023. Collection method: clinical testing. Allele origin: germline.
Comment: The p.I208V variant (also known as c.622A>G), located in coding exon 2 of the FANCM gene, results from an A to G substitution at nucleotide position 622. The isoleucine at codon 208 is replaced by valine, an amino acid with highly similar properties. This amino acid position is conserved. In addition, this alteration is predicted to be tolerated by in silico analysis. Based on the available evidence, the clinical significance of this variant remains unclear.

NM_020937.4(FANCM):c.622A>G (p.Ile208Val)

Gene: FANCM (FA complementation group M; plus strand). Cytogenetic location: 14q21.2.
Variant type: single nucleotide variant.
Coding change: c.622A>G on transcript NM_020937.4 (MANE Select); coding-DNA position 622, A replaced by G.
Protein change: p.Ile208Val; replaces isoleucine 208 with valine.
Molecular consequence: missense variant.
Genome position (GRCh38, 1-based): chr14:45,137,182, A>G. VCF-style: chr14-45137182-A-G. GRCh37 (hg19) VCF-style: chr14-45606385-A-G.
Other names: c.622A>G, p.Ile208Val (NM_001308133.2, NM_001308134.2); short protein forms I208V.
Identifiers: ClinVar variation 4619440 (VCV004619440.1).
Genomic context (GRCh38, chr14:45,137,182, plus strand): 5'-TTTCTTACACCTCAGGTCATGGTAAATGACCTTTCTAGAGGAGCTTGTCCCGCTGCTGAA[A>G]TAAAGTGTTTAGTTATTGATGAAGCTCATAAAGCTCTCGGAAACTATGCTTATTGCCAGG-3'
Protein context (NP_065988.1, residues 198-218): LSRGACPAAE[Ile208Val]KCLVIDEAHK